The following is an entry in ClinVar:

NM_177924.5(ASAH1):c.677G>T (p.Arg226Leu)

Gene: ASAH1 (N-acylsphingosine amidohydrolase 1; minus strand). Cytogenetic location: 8p22.
Variant type: single nucleotide variant.
Coding change: c.677G>T on transcript NM_177924.5 (MANE Select); coding-DNA position 677, G replaced by T.
Protein change: p.Arg226Leu; replaces arginine 226 with leucine.
Molecular consequence: missense variant.
Genome position (GRCh38, 1-based): chr8:18,061,712, C>A on the plus strand (G>T on the coding strand, the complement: ASAH1 is on the minus strand). VCF-style: chr8-18061712-C-A. GRCh37 (hg19) VCF-style: chr8-17919221-C-A.
Other names: c.659G>T, p.Arg220Leu (NM_001127505.3); c.482G>T, p.Arg161Leu (NM_001363743.2); c.725G>T, p.Arg242Leu (NM_004315.6); short protein forms R220L, R226L, R242L, R161L.
Identifiers: ClinVar variation 3685517 (VCV003685517.2).

ClinVar aggregate classification (germline): Uncertain significance (1 of 4 stars; one submission).

Submission:

Labcorp Genetics (formerly Invitae), Labcorp
Classification: Uncertain significance. Last evaluated: 2025-06-03. Review status: criteria provided, single submitter. Criteria: Invitae Variant Classification Sherloc (09022015). Collection method: clinical testing. Allele origin: germline.
Comment: This sequence change replaces arginine, which is basic and polar, with leucine, which is neutral and non-polar, at codon 226 of the ASAH1 protein (p.Arg226Leu). This variant is not present in population databases (gnomAD no frequency). This variant has not been reported in the literature in individuals affected with ASAH1-related conditions. ClinVar contains an entry for this variant (Variation ID: 3685517). Invitae Evidence Modeling of protein sequence and biophysical properties (such as structural, functional, and spatial information, amino acid conservation, physicochemical variation, residue mobility, and thermodynamic stability) indicates that this missense variant is expected to disrupt ASAH1 protein function with a positive predictive value of 80%. In summary, the available evidence is currently insufficient to determine the role of this variant in disease. Therefore, it has been classified as a Variant of Uncertain Significance.